The following is an entry in ClinVar:

NM_000059.4(BRCA2):c.7996A>T (p.Arg2666Ter)

Gene: BRCA2 (BRCA2 DNA repair associated; plus strand). Cytogenetic location: 13q13.1.
Variant type: single nucleotide variant.
Coding change: c.7996A>T on transcript NM_000059.4 (MANE Select); coding-DNA position 7996, A replaced by T.
Protein change: p.Arg2666Ter; replaces arginine 2666 with a stop codon.
Molecular consequence: nonsense.
Genome position (GRCh38, 1-based): chr13:32,363,198, A>T. VCF-style: chr13-32363198-A-T. GRCh37 (hg19) VCF-style: chr13-32937335-A-T.
Other names: short protein forms R2666*.
Identifiers: ClinVar variation 52465 (VCV000052465.3), dbSNP rs80359032, ClinGen allele CA025391.

ClinVar aggregate classification (germline): Pathogenic. Review status: reviewed by expert panel (3 of 4 stars). 3 submissions from 3 submitters: Pathogenic (1). 2 of the submissions do not count toward it. Last evaluated 2016-09-08.

Conditions:
Breast-ovarian cancer, familial, susceptibility to, 2 (BROVCA2). Also called: BRCA2 Hereditary Breast and Ovarian Cancer. Identifiers: Orphanet 145, MedGen C2675520, MONDO:0012933, OMIM 612555. Disease mechanism: loss of function.

Submissions (3):

Evidence-based Network for the Interpretation of Germline Mutant Alleles (ENIGMA)
Classification: Pathogenic for Breast-ovarian cancer, familial, susceptibility to, 2. Last evaluated: 2016-09-08. Review status: reviewed by expert panel. Criteria: ENIGMA BRCA1/2 Classification Criteria (2015). Collection method: curation. Allele origin: germline.
Comment: Variant allele predicted to encode a truncated non-functional protein.

Consortium of Investigators of Modifiers of BRCA1/2 (CIMBA), c/o University of Cambridge
Classification: Pathogenic for Breast-ovarian cancer, familial, susceptibility to, 2. Last evaluated: 2015-10-02. Review status: criteria provided, single submitter. Criteria: CIMBA Mutation Classification guidelines May 2016. Collection method: clinical testing. Allele origin: germline. Not counted in ClinVar's aggregate classification.

Breast Cancer Information Core (BIC) (BRCA2)
Classification: Pathogenic for Breast-ovarian cancer, familial 2. Last evaluated: 2002-05-29. Review status: no assertion criteria provided. Collection method: clinical testing. Allele origin: germline. Affected: yes. Observed: 1 variant allele. Not counted in ClinVar's aggregate classification.